The following is an entry in ClinVar:

NM_000876.4(IGF2R):c.2190C>G (p.Leu730=)

Gene: IGF2R (insulin like growth factor 2 receptor; plus strand). Cytogenetic location: 6q25.3.
Variant type: single nucleotide variant.
Coding change: c.2190C>G on transcript NM_000876.4 (MANE Select); coding-DNA position 2190, C replaced by G.
Protein change: p.Leu730=; no amino-acid change (leucine 730 retained).
Molecular consequence: synonymous variant.
Genome position (GRCh38, 1-based): chr6:160,047,297, C>G. VCF-style: chr6-160047297-C-G. GRCh37 (hg19) VCF-style: chr6-160468329-C-G.
Identifiers: ClinVar variation 2657102 (VCV002657102.24), dbSNP rs2483502611, ClinGen allele CA452890163.

ClinVar aggregate classification (germline): Likely benign (1 of 4 stars; one submission).

Submission:

CeGaT Center for Human Genetics Tuebingen
Classification: Likely benign. Last evaluated: 2022-06-01. Review status: criteria provided, single submitter. Criteria: CeGaT Center For Human Genetics Tuebingen Variant Classification Criteria Version 2. Collection method: clinical testing. Allele origin: germline. Affected: yes. Observed: 1 variant allele.
Comment: IGF2R: PM2:Supporting, BP4, BP7